The following is an entry in ClinVar:

NM_007118.4(TRIO):c.3526C>G (p.Gln1176Glu)

Gene: TRIO (trio Rho guanine nucleotide exchange factor; plus strand). Cytogenetic location: 5p15.2.
Variant type: single nucleotide variant.
Coding change: c.3526C>G on transcript NM_007118.4 (MANE Select); coding-DNA position 3526, C replaced by G.
Protein change: p.Gln1176Glu; replaces glutamine 1176 with glutamic acid.
Molecular consequence: missense variant. On other transcripts: non-coding transcript variant (1).
Genome position (GRCh38, 1-based): chr5:14,381,208, C>G. VCF-style: chr5-14381208-C-G. GRCh37 (hg19) VCF-style: chr5-14381317-C-G.
Other names: short protein forms Q1176E.
Identifiers: ClinVar variation 3899618 (VCV003899618.1).

ClinVar aggregate classification (germline): Uncertain significance (1 of 4 stars; one submission).

gnomAD v4.1: 1 of 1,614,008 alleles (0.000062%); highest among the groups gnomAD compares: Non-Finnish European, 0.000085%; no homozygotes.

Submission:

GeneDx
Classification: Uncertain significance. Last evaluated: 2024-11-13. Review status: criteria provided, single submitter. Criteria: GeneDx Variant Classification Process June 2021. Collection method: clinical testing. Allele origin: germline. Affected: yes.
Comment: Not observed at significant frequency in large population cohorts (gnomAD); In silico analysis indicates that this missense variant does not alter protein structure/function; Has not been previously published as pathogenic or benign to our knowledge